The following is an entry in ClinVar:

NM_012463.4(ATP6V0A2):c.2466-27T>C

Gene: ATP6V0A2 (ATPase H+ transporting V0 subunit a2; plus strand). Cytogenetic location: 12q24.31.
Variant type: single nucleotide variant.
Coding change: c.2466-27T>C on transcript NM_012463.4 (MANE Select); 27 bases into the intron before coding-DNA position 2466, T replaced by C.
Molecular consequence: intron variant.
Genome position (GRCh38, 1-based): chr12:123,757,900, T>C. VCF-style: chr12-123757900-T-C. GRCh37 (hg19) VCF-style: chr12-124242447-T-C.
Other names: p.?.
Identifiers: ClinVar variation 4683779 (VCV004683779.1).

ClinVar aggregate classification (germline): Likely benign (1 of 4 stars; one submission).

gnomAD v4.1: 28 of 1,403,662 alleles (0.002%); highest among the groups gnomAD compares: Admixed American, 0.051%; no homozygotes.

Submission:

Mayo Clinic Laboratories, Mayo Clinic
Classification: Likely benign. Last evaluated: 2024-11-04. Review status: criteria provided, single submitter. Criteria: ACMG Guidelines, 2015. Collection method: clinical testing. Allele origin: germline. Observed: 1 variant allele.
Comment: BP4, BP7